The following is an entry in ClinVar:

NM_002778.4(PSAP):c.593G>A (p.Cys198Tyr)

Gene: PSAP (prosaposin; minus strand). Cytogenetic location: 10q22.1.
Variant type: single nucleotide variant.
Coding change: c.593G>A on transcript NM_002778.4 (MANE Select); coding-DNA position 593, G replaced by A.
Protein change: p.Cys198Tyr; replaces cysteine 198 with tyrosine.
Molecular consequence: missense variant.
Genome position (GRCh38, 1-based): chr10:71,828,141, C>T on the plus strand (G>A on the coding strand, the complement: PSAP is on the minus strand). VCF-style: chr10-71828141-C-T. GRCh37 (hg19) VCF-style: chr10-73587898-C-T.
Other names: p.Cys198Tyr; c.593G>A, p.Cys198Tyr (NM_001042465.3, NM_001042466.3); short protein forms C198Y.
Identifiers: ClinVar variation 2445227 (VCV002445227.2), dbSNP rs2494523338, ClinGen allele CA377151589.

ClinVar aggregate classification (germline): Likely pathogenic (1 of 4 stars; one submission).

Conditions:
Sphingolipid activator protein 1 deficiency. Also called: Saposin B Deficiency; METACHROMATIC LEUKODYSTROPHY DUE TO CEREBROSIDE SULFATASE ACTIVATOR DEFICIENCY; Metachromatic leukodystrophy due to saposin B deficiency. Identifiers: Orphanet 512, MedGen C0268262, MONDO:0009590, OMIM 249900.

Submission:

Foundation for Research in Genetics and Endocrinology, FRIGE's Institute of Human Genetics
Classification: Likely pathogenic for Sphingolipid activator protein 1 deficiency. Last evaluated: 2022-01-08. Review status: criteria provided, single submitter. Criteria: ACMG Guidelines, 2015. Collection method: clinical testing. Allele origin: germline. Inheritance: Autosomal recessive inheritance. Affected: yes. Observed: 1 homozygote.
Comment: A homozygous missense variant in exon 6 of the PSAP gene that results in the amino acid substitution of Tyrosine for Cysteine at codon 198 was detected. The observed variant c.593G>A (p.Cys198Tyr) has not been reported in the 1000 genomes and gnomAD databases. The in silico prediction of the variant is damaging by LRT, PROVEAN and MutationTaster2. The reference codon is conserved across species. In summary, the variant meets our criteria to be classified as likely pathogenic.